The following is an entry in ClinVar:

ClinVar aggregate classification (germline): Likely benign (1 of 4 stars; one submission).

Conditions:
Tuberous sclerosis 2 (TSC2). Identifiers: Orphanet 805, MedGen C1860707, MONDO:0013199, OMIM 613254.

gnomAD v4.1: 1 of 1,575,712 alleles (0.000063%); highest among the groups gnomAD compares: South Asian, 0.0012%; no homozygotes.

Submission:

Myriad Genetics, Inc.
Classification: Likely benign for Tuberous sclerosis 2. Last evaluated: 2025-05-29. Review status: criteria provided, single submitter. Criteria: Myriad Autosomal Dominant, Autosomal Recessive and X-Linked Classification Criteria (2023). Collection method: clinical testing. Allele origin: unknown.
Comment: This variant is considered likely benign. This variant is intronic and is not expected to impact mRNA splicing.

NM_000548.5(TSC2):c.3397+8T>G

Gene: TSC2 (TSC complex subunit 2; plus strand). Cytogenetic location: 16p13.3.
Variant type: single nucleotide variant.
Coding change: c.3397+8T>G on transcript NM_000548.5 (MANE Select); 8 bases into the intron after coding-DNA position 3397, T replaced by G.
Molecular consequence: intron variant.
Genome position (GRCh38, 1-based): chr16:2,079,677, T>G. VCF-style: chr16-2079677-T-G. GRCh37 (hg19) VCF-style: chr16-2129678-T-G.
Other names: c.2797+8T>G (NM_001406683.1, NM_001406680.1, NM_001406682.1); c.1924+8T>G (NM_001406693.1, NM_001406690.1, NM_001406692.1 and 1 more transcripts); c.3358+8T>G (NM_001406667.1); c.3355+8T>G (NM_001406668.1); c.2665+8T>G (NM_001406687.1, NM_001318831.2, NM_001406688.1); c.2053+8T>G (NM_001406689.1); c.1921+8T>G (NM_001406691.1, NM_001406697.1, NM_001406695.1 and 1 more transcripts); c.1663+8T>G (NM_001406698.1); and 18 more.
Identifiers: ClinVar variation 4071319 (VCV004071319.1).